The following is an entry in ClinVar:

NM_001349999.2(RBFOX2):c.1225G>A (p.Gly409Ser)

Gene: RBFOX2 (RNA binding fox-1 homolog 2; minus strand). Cytogenetic location: 22q12.3.
Variant type: single nucleotide variant.
Coding change: c.1225G>A on transcript NM_001349999.2 (MANE Select); coding-DNA position 1225, G replaced by A.
Protein change: p.Gly409Ser; replaces glycine 409 with serine.
Molecular consequence: missense variant. On other transcripts: synonymous variant (12).
Genome position (GRCh38, 1-based): chr22:35,746,474, C>T on the plus strand (G>A on the coding strand, the complement: RBFOX2 is on the minus strand). VCF-style: chr22-35746474-C-T. GRCh37 (hg19) VCF-style: chr22-36142521-C-T.
Other names: c.1038G>A, p.Thr346= (NM_001349994.2); c.957G>A, p.Thr319= (NM_001349995.2); c.1078G>A, p.Gly360Ser (NM_001349996.2, NM_001349990.2); c.1027G>A, p.Gly343Ser (NM_001349997.2); c.1056G>A, p.Thr352= (NM_001349998.2); c.1219G>A, p.Gly407Ser (NM_001394108.1); c.1129G>A, p.Gly377Ser (NM_001394109.1, NM_001394110.1); c.1089G>A, p.Thr363= (NM_001394111.1); and 15 more; short protein forms G342S, G377S, G408S, G412S, G360S, G407S, G409S, G338S.
Identifiers: ClinVar variation 3665744 (VCV003665744.3).

ClinVar aggregate classification (germline): Uncertain significance. Review status: criteria provided, multiple submitters, no conflicts (2 of 4 stars). 2 submissions from 2 submitters: Uncertain significance (2). Last evaluated 2025-08-10.

Conditions:
Inborn genetic diseases. Identifiers: MedGen C0950123, MeSH D030342.

gnomAD v4.1: 20 of 1,596,382 alleles (0.0013%); highest among the groups gnomAD compares: East Asian, 0.0068%; no homozygotes.

Submissions (2):

Ambry Genetics
Classification: Uncertain significance for Inborn genetic diseases. Last evaluated: 2025-08-10. Review status: criteria provided, single submitter. Criteria: Ambry Variant Classification Scheme 2023. Collection method: clinical testing. Allele origin: germline.

Labcorp Genetics (formerly Invitae), Labcorp
Classification: Uncertain significance. Last evaluated: 2024-09-29. Review status: criteria provided, single submitter. Criteria: Invitae Variant Classification Sherloc (09022015). Collection method: clinical testing. Allele origin: germline.
Comment: This sequence change replaces glycine, which is neutral and non-polar, with serine, which is neutral and polar, at codon 413 of the RBFOX2 protein (p.Gly413Ser). This variant is present in population databases (rs370030634, gnomAD 0.007%). This variant has not been reported in the literature in individuals affected with RBFOX2-related conditions. An algorithm developed to predict the effect of missense changes on protein structure and function (PolyPhen-2) suggests that this variant is likely to be tolerated. In summary, the available evidence is currently insufficient to determine the role of this variant in disease. Therefore, it has been classified as a Variant of Uncertain Significance.